The following is an entry in ClinVar:

NM_025144.4(ALPK1):c.3446A>C (p.Lys1149Thr)

Gene: ALPK1 (alpha kinase 1; plus strand). Cytogenetic location: 4q25.
Variant type: single nucleotide variant.
Coding change: c.3446A>C on transcript NM_025144.4 (MANE Select); coding-DNA position 3446, A replaced by C.
Protein change: p.Lys1149Thr; replaces lysine 1149 with threonine.
Molecular consequence: missense variant.
Genome position (GRCh38, 1-based): chr4:112,439,780, A>C. VCF-style: chr4-112439780-A-C. GRCh37 (hg19) VCF-style: chr4-113360936-A-C.
Other names: c.3446A>C, p.Lys1149Thr (NM_001102406.2); c.3212A>C, p.Lys1071Thr (NM_001253884.2); short protein forms K1071T, K1149T.
Identifiers: ClinVar variation 3693287 (VCV003693287.2).

ClinVar aggregate classification (germline): Uncertain significance (1 of 4 stars; one submission).

gnomAD v4.1: 16 of 1,613,728 alleles (0.00099%); highest among the groups gnomAD compares: South Asian, 0.016%; no homozygotes.

Submission:

Labcorp Genetics (formerly Invitae), Labcorp
Classification: Uncertain significance. Last evaluated: 2024-12-05. Review status: criteria provided, single submitter. Criteria: Invitae Variant Classification Sherloc (09022015). Collection method: clinical testing. Allele origin: germline.
Comment: This sequence change replaces lysine, which is basic and polar, with threonine, which is neutral and polar, at codon 1149 of the ALPK1 protein (p.Lys1149Thr). This variant is present in population databases (rs758056733, gnomAD 0.01%). This variant has not been reported in the literature in individuals affected with ALPK1-related conditions. An algorithm developed to predict the effect of missense changes on protein structure and function (PolyPhen-2) suggests that this variant is likely to be disruptive. In summary, the available evidence is currently insufficient to determine the role of this variant in disease. Therefore, it has been classified as a Variant of Uncertain Significance.